The following is an entry in ClinVar:

NM_020461.4(TUBGCP6):c.4365C>G (p.Phe1455Leu)

Gene: TUBGCP6 (tubulin gamma complex component 6; minus strand). Cytogenetic location: 22q13.33.
Variant type: single nucleotide variant.
Coding change: c.4365C>G on transcript NM_020461.4 (MANE Select); coding-DNA position 4365, C replaced by G.
Protein change: p.Phe1455Leu; replaces phenylalanine 1455 with leucine.
Molecular consequence: missense variant.
Genome position (GRCh38, 1-based): chr22:50,219,407, G>C on the plus strand (C>G on the coding strand, the complement: TUBGCP6 is on the minus strand). VCF-style: chr22-50219407-G-C. GRCh37 (hg19) VCF-style: chr22-50657836-G-C.
Other names: short protein forms F1455L.
Identifiers: ClinVar variation 1417302 (VCV001417302.5), dbSNP rs369253656, ClinGen allele CA412172389.

ClinVar aggregate classification (germline): Uncertain significance (1 of 4 stars; one submission).

Submission:

Labcorp Genetics (formerly Invitae), Labcorp
Classification: Uncertain significance. Last evaluated: 2021-08-27. Review status: criteria provided, single submitter. Criteria: Invitae Variant Classification Sherloc (09022015). Collection method: clinical testing. Allele origin: germline.
Comment: This sequence change replaces phenylalanine with leucine at codon 1455 of the TUBGCP6 protein (p.Phe1455Leu). The phenylalanine residue is weakly conserved and there is a small physicochemical difference between phenylalanine and leucine. This variant is not present in population databases (ExAC no frequency). This variant has not been reported in the literature in individuals affected with TUBGCP6-related conditions. Algorithms developed to predict the effect of missense changes on protein structure and function (SIFT, PolyPhen-2, Align-GVGD) all suggest that this variant is likely to be tolerated. In summary, the available evidence is currently insufficient to determine the role of this variant in disease. Therefore, it has been classified as a Variant of Uncertain Significance.